The following is an entry in ClinVar:

ClinVar aggregate classification (germline): Benign/Likely benign. Review status: criteria provided, multiple submitters, no conflicts (2 of 4 stars). 2 submissions from 2 submitters: Benign (1); Likely benign (1). Last evaluated 2025-11-18.

Conditions:
Danon disease. Also called: PSEUDOGLYCOGENOSIS II; GSD IIb; LYSOSOMAL GLYCOGEN STORAGE DISEASE WITHOUT ACID MALTASE DEFICIENCY; Glycogen Storage Disease Type IIb; ANTOPOL DISEASE. Identifiers: Orphanet 34587, MedGen C0878677, MONDO:0010281, OMIM 300257.

Allele frequency attached by ClinVar (database versions not stated): gnomAD exomes below 0.00001 and 0.00001; gnomAD 0.00003.
gnomAD v4.1: 5 of 948,053 alleles (0.00053%); highest among the groups gnomAD compares: Non-Finnish European, 0.00074%; no homozygotes.

Submissions (2):

Labcorp Genetics (formerly Invitae), Labcorp
Classification: Likely benign for Danon disease. Last evaluated: 2025-11-18. Review status: criteria provided, single submitter. Criteria: Invitae Variant Classification Sherloc (09022015). Collection method: clinical testing. Allele origin: germline.

GeneDx
Classification: Benign. Last evaluated: 2014-10-28. Review status: criteria provided, single submitter. Criteria: GeneDx Variant Classification (06012015). Collection method: clinical testing. Allele origin: germline. Affected: yes.
Comment: This variant is considered likely benign or benign based on one or more of the following criteria: it is a conservative change, it occurs at a poorly conserved position in the protein, it is predicted to be benign by multiple in silico algorithms, and/or has population frequency not consistent with disease.

NM_002294.3(LAMP2):c.65-12A>T

Gene: LAMP2 (lysosome associated membrane protein 2; minus strand). Cytogenetic location: Xq24.
Variant type: single nucleotide variant.
Coding change: c.65-12A>T on transcript NM_002294.3 (MANE Select); 12 bases into the intron before coding-DNA position 65, A replaced by T.
Molecular consequence: intron variant.
Genome position (GRCh38, 1-based): chrX:120,456,781, T>A on the plus strand (A>T on the coding strand, the complement: LAMP2 is on the minus strand). VCF-style: chrX-120456781-T-A. GRCh37 (hg19) VCF-style: chrX-119590636-T-A.
Other names: c.65-12A>T (NM_001122606.1, NM_013995.2).
Identifiers: ClinVar variation 180862 (VCV000180862.3), dbSNP rs730880474, ClinGen allele CA333609.